The following is an entry in ClinVar:

NM_001080442.3(SLC38A8):c.538G>C (p.Gly180Arg)

Gene: SLC38A8 (solute carrier family 38 member 8; minus strand). Cytogenetic location: 16q23.3.
Variant type: single nucleotide variant.
Coding change: c.538G>C on transcript NM_001080442.3 (MANE Select); coding-DNA position 538, G replaced by C.
Protein change: p.Gly180Arg; replaces glycine 180 with arginine.
Molecular consequence: missense variant.
Genome position (GRCh38, 1-based): chr16:84,031,961, C>G on the plus strand (G>C on the coding strand, the complement: SLC38A8 is on the minus strand). VCF-style: chr16-84031961-C-G. GRCh37 (hg19) VCF-style: chr16-84065566-C-G.
Other names: short protein forms G180R.
Identifiers: ClinVar variation 1878796 (VCV001878796.1), dbSNP rs2507654822, ClinGen allele CA396938832.

ClinVar aggregate classification (germline): Uncertain significance (1 of 4 stars; one submission).

Submission:

GeneDx
Classification: Uncertain significance. Last evaluated: 2022-07-15. Review status: criteria provided, single submitter. Criteria: GeneDx Variant Classification Process June 2021. Collection method: clinical testing. Allele origin: germline. Affected: yes.
Comment: Not observed at significant frequency in large population cohorts (gnomAD); In silico analysis supports that this missense variant has a deleterious effect on protein structure/function; In silico analysis supports a deleterious effect on splicing; Has not been previously published as pathogenic or benign to our knowledge